The following is an entry in ClinVar:

NM_002184.4(IL6ST):c.130T>G (p.Phe44Val)

Gene: IL6ST (interleukin 6 cytokine family signal transducer; minus strand). Cytogenetic location: 5q11.2.
Variant type: single nucleotide variant.
Coding change: c.130T>G on transcript NM_002184.4 (MANE Select); coding-DNA position 130, T replaced by G.
Protein change: p.Phe44Val; replaces phenylalanine 44 with valine.
Molecular consequence: missense variant. On other transcripts: 5 prime UTR variant (3), non-coding transcript variant (2).
Genome position (GRCh38, 1-based): chr5:55,969,790, A>C on the plus strand (T>G on the coding strand, the complement: IL6ST is on the minus strand). VCF-style: chr5-55969790-A-C. GRCh37 (hg19) VCF-style: chr5-55265618-A-C.
Other names: c.130T>G, p.Phe44Val (NM_001190981.2, NM_001364275.2, NM_001364276.2 and 1 more transcripts); c.-663T>G (NM_001364277.2, NM_001364279.2); c.-653T>G (NM_001364278.2); short protein forms F44V.
Identifiers: ClinVar variation 1380126 (VCV001380126.6), dbSNP rs111915387, ClinGen allele CA119053187.
Genomic context (GRCh38, chr5:55,969,790, plus strand): 5'-AATTAGCATTTACATGAAAATAATCCATACATTTTTCCTTTAGCACACAAACTGCAGTGA[A>C]ATTAGAATGAAGTTGTACAACTGGAGATTCAGGACTGATATAACCACATGGATCTAGAAG-3'
Protein context (NP_002175.2, residues 34-54): ESPVVQLHSN[Phe44Val]TAVCVLKEKC

ClinVar aggregate classification (germline): Uncertain significance (1 of 4 stars; one submission).

Allele frequency attached by ClinVar (database versions not stated): gnomAD 0.00001; gnomAD exomes 0.00001; TOPMed 0.00001.
gnomAD v4.1: 18 of 1,611,082 alleles (0.0011%); highest among the groups gnomAD compares: African/African-American, 0.011%; no homozygotes.

Submission:

Labcorp Genetics (formerly Invitae), Labcorp
Classification: Uncertain significance. Last evaluated: 2024-10-26. Review status: criteria provided, single submitter. Criteria: Invitae Variant Classification Sherloc (09022015). Collection method: clinical testing. Allele origin: germline.
Comment: This sequence change replaces phenylalanine, which is neutral and non-polar, with valine, which is neutral and non-polar, at codon 44 of the IL6ST protein (p.Phe44Val). This variant is not present in population databases (gnomAD no frequency). This variant has not been reported in the literature in individuals affected with IL6ST-related conditions. ClinVar contains an entry for this variant (Variation ID: 1380126). An algorithm developed to predict the effect of missense changes on protein structure and function (PolyPhen-2) suggests that this variant is likely to be disruptive. In summary, the available evidence is currently insufficient to determine the role of this variant in disease. Therefore, it has been classified as a Variant of Uncertain Significance.